The following is an entry in ClinVar:

NM_000264.5(PTCH1):c.433C>T (p.Gln145Ter)

Gene: PTCH1 (patched 1; minus strand). Cytogenetic location: 9q22.32.
Variant type: single nucleotide variant.
Coding change: c.433C>T on transcript NM_000264.5 (MANE Select); coding-DNA position 433, C replaced by T.
Protein change: p.Gln145Ter; replaces glutamine 145 with a stop codon.
Molecular consequence: nonsense. On other transcripts: 5 prime UTR variant (4), non-coding transcript variant (1).
Genome position (GRCh38, 1-based): chr9:95,485,836, G>A on the plus strand (C>T on the coding strand, the complement: PTCH1 is on the minus strand). VCF-style: chr9-95485836-G-A. GRCh37 (hg19) VCF-style: chr9-98248118-G-A.
Other names: c.235C>T, p.Gln79Ter (NM_001083602.3, NM_001354919.2); c.430C>T, p.Gln144Ter (NM_001083603.3); c.-21C>T (NM_001083604.3, NM_001083605.3, NM_001083606.3 and 1 more transcripts); c.433C>T, p.Gln145Ter (NM_001354918.2); short protein forms Q79*, Q145*, Q144*.
Identifiers: ClinVar variation 524548 (VCV000524548.8), dbSNP rs1554702186, ClinGen allele CA374117210.

ClinVar aggregate classification (germline): Pathogenic/Likely pathogenic. Review status: criteria provided, multiple submitters, no conflicts (2 of 4 stars). 2 submissions from 2 submitters: Pathogenic (1); Likely pathogenic (1). Last evaluated 2023-09-11.

Conditions:
Gorlin syndrome. Also called: Nevoid Basal Cell Carcinoma Syndrome; Basal cell nevus syndrome. Identifiers: Orphanet 377, MedGen C0004779, MONDO:0007187.
PTCH1-related disorder. Also called: PTCH1-related disorders; PTCH1-related condition.

Submissions (2):

Blueprint Genetics
Classification: Likely pathogenic for PTCH1-related disorders. Last evaluated: 2023-09-11. Review status: criteria provided, single submitter. Criteria: ACMG Guidelines, 2015. Collection method: clinical testing. Allele origin: germline. Affected: yes. Observed: 1 variant allele.

Labcorp Genetics (formerly Invitae), Labcorp
Classification: Pathogenic for Gorlin syndrome. Last evaluated: 2017-12-18. Review status: criteria provided, single submitter. Criteria: Invitae Variant Classification Sherloc (09022015). Collection method: clinical testing. Allele origin: germline.
Comment: For these reasons, this variant has been classified as Pathogenic. Loss-of-function variants in PTCH1 are known to be pathogenic (PMID: 16301862, 16419085). This variant has not been reported in the literature in individuals with PTCH1-related disease. This variant is not present in population databases (ExAC no frequency). This sequence change creates a premature translational stop signal (p.Gln145*) in the PTCH1 gene. It is expected to result in an absent or disrupted protein product.

Literature cited by the submitters: PubMed 16301862 (cited by Labcorp Genetics (formerly Invitae), Labcorp); PubMed 16419085 (cited by Labcorp Genetics (formerly Invitae), Labcorp).